The following is an entry in ClinVar:

NM_002076.4(GNS):c.916C>A (p.Leu306Met)

Gene: GNS (glucosamine (N-acetyl)-6-sulfatase; minus strand). Cytogenetic location: 12q14.3.
Variant type: single nucleotide variant.
Coding change: c.916C>A on transcript NM_002076.4 (MANE Select); coding-DNA position 916, C replaced by A.
Protein change: p.Leu306Met; replaces leucine 306 with methionine.
Molecular consequence: missense variant.
Genome position (GRCh38, 1-based): chr12:64,739,459, G>T on the plus strand (C>A on the coding strand, the complement: GNS is on the minus strand). VCF-style: chr12-64739459-G-T. GRCh37 (hg19) VCF-style: chr12-65133239-G-T.
Other names: short protein forms L306M.
Identifiers: ClinVar variation 1931564 (VCV001931564.2), dbSNP rs763169200, ClinGen allele CA6669802.

ClinVar aggregate classification (germline): Uncertain significance (1 of 4 stars; one submission).

Conditions:
Mucopolysaccharidosis, MPS-III-D (MPS3D). Also called: N-ACETYLGLUCOSAMINE-6-SULFATASE DEFICIENCY; SANFILIPPO SYNDROME D; MPS III D; Mucopoly-saccharidosis type 3D; N-acetylglucosamine-6-sulfate sulfatase deficiency; MPS 3D. Identifiers: Orphanet 581, Orphanet 79272, MedGen C0086650, MONDO:0009658, OMIM 252940.

Allele frequency attached by ClinVar (database versions not stated): ExAC 0.00001; gnomAD exomes 0.00001.
gnomAD v4.1: 7 of 1,607,566 alleles (0.00044%); highest among the groups gnomAD compares: South Asian, 0.0033%; no homozygotes.

Submission:

Labcorp Genetics (formerly Invitae), Labcorp
Classification: Uncertain significance for Mucopolysaccharidosis, MPS-III-D. Last evaluated: 2022-05-23. Review status: criteria provided, single submitter. Criteria: Invitae Variant Classification Sherloc (09022015). Collection method: clinical testing. Allele origin: germline.
Comment: This sequence change replaces leucine, which is neutral and non-polar, with methionine, which is neutral and non-polar, at codon 306 of the GNS protein (p.Leu306Met). This variant is present in population databases (rs763169200, gnomAD 0.006%). This variant has not been reported in the literature in individuals affected with GNS-related conditions. Algorithms developed to predict the effect of missense changes on protein structure and function are either unavailable or do not agree on the potential impact of this missense change (SIFT: "Deleterious"; PolyPhen-2: "Possibly Damaging"; Align-GVGD: "Class C0"). In summary, the available evidence is currently insufficient to determine the role of this variant in disease. Therefore, it has been classified as a Variant of Uncertain Significance.